The following is an entry in ClinVar:

NM_182961.4(SYNE1):c.4637C>A (p.Thr1546Lys)

Gene: SYNE1 (spectrin repeat containing nuclear envelope protein 1; minus strand). Cytogenetic location: 6q25.2.
Variant type: single nucleotide variant.
Coding change: c.4637C>A on transcript NM_182961.4 (MANE Select); coding-DNA position 4637, C replaced by A.
Protein change: p.Thr1546Lys; replaces threonine 1546 with lysine.
Molecular consequence: missense variant.
Genome position (GRCh38, 1-based): chr6:152,430,534, G>T on the plus strand (C>A on the coding strand, the complement: SYNE1 is on the minus strand). VCF-style: chr6-152430534-G-T. GRCh37 (hg19) VCF-style: chr6-152751669-G-T.
Other names: c.4658C>A, p.Thr1553Lys (NM_033071.5); short protein forms T1546K, T1553K.
Identifiers: ClinVar variation 904393 (VCV000904393.6), dbSNP rs755101379, ClinGen allele CA4058512.

ClinVar aggregate classification (germline): Conflicting classifications of pathogenicity. Review status: criteria provided, conflicting classifications (1 of 4 stars). 3 submissions from 2 submitters: Uncertain significance (2); Benign (1). Last evaluated 2022-05-27.

Conditions:
Emery-Dreifuss muscular dystrophy 4, autosomal dominant (EDMD4). Also called: EMERY-DREIFUSS MUSCULAR DYSTROPHY 4 WITH VARIABLE FEATURES. Identifiers: Orphanet 261, MedGen C2751807, MONDO:0013071, OMIM 612998.
Autosomal recessive ataxia, Beauce type. Also called: ATAXIA, RECESSIVE, OF BEAUCE; SYNE1 Deficiency; SYNE1-Related Autosomal Recessive Cerebellar Ataxia; Spinocerebellar ataxia, autosomal recessive 8. Identifiers: Orphanet 88644, MedGen C1853116, MONDO:0012549, OMIM 610743.

Allele frequency attached by ClinVar (database versions not stated): gnomAD 0.00001; TOPMed 0.00001; ExAC 0.00007.
gnomAD v4.1: 20 of 1,614,002 alleles (0.0012%); highest among the groups gnomAD compares: Admixed American, 0.033%; no homozygotes.

Submissions (3):

Labcorp Genetics (formerly Invitae), Labcorp
Classification: Uncertain significance for Emery-Dreifuss muscular dystrophy 4, autosomal dominant; Autosomal recessive ataxia, Beauce type. Last evaluated: 2022-05-27. Review status: criteria provided, single submitter. Criteria: Invitae Variant Classification Sherloc (09022015). Collection method: clinical testing. Allele origin: germline.
Comment: This sequence change replaces threonine, which is neutral and polar, with lysine, which is basic and polar, at codon 1553 of the SYNE1 protein (p.Thr1553Lys). This variant is present in population databases (rs755101379, gnomAD 0.05%). This variant has not been reported in the literature in individuals affected with SYNE1-related conditions. ClinVar contains an entry for this variant (Variation ID: 904393). Algorithms developed to predict the effect of missense changes on protein structure and function are either unavailable or do not agree on the potential impact of this missense change (SIFT: "Deleterious"; PolyPhen-2: "Benign"; Align-GVGD: "Class C0"). In summary, the available evidence is currently insufficient to determine the role of this variant in disease. Therefore, it has been classified as a Variant of Uncertain Significance.

Illumina Laboratory Services, Illumina
Classification: Benign for Emery-Dreifuss muscular dystrophy 4, autosomal dominant. Last evaluated: 2018-01-13. Review status: criteria provided, single submitter. Criteria: ICSL Variant Classification Criteria 13 December 2019. Collection method: clinical testing. Allele origin: germline.
Comment: This variant was observed in the ICSL laboratory as part of a predisposition screen in an ostensibly healthy population. It had not been previously curated by ICSL or reported in the Human Gene Mutation Database (HGMD: prior to June 1st, 2018), and was therefore a candidate for classification through an automated scoring system. Utilizing variant allele frequency, disease prevalence and penetrance estimates, and inheritance mode, an automated score was calculated to assess if this variant is too frequent to cause the disease. Based on the score and internal cut-off values, a variant classified as benign is not then subjected to further curation. The score for this variant resulted in a classification of benign for this disease.

Illumina Laboratory Services, Illumina
Classification: Uncertain significance for Autosomal recessive ataxia, Beauce type. Last evaluated: 2018-01-13. Review status: criteria provided, single submitter. Criteria: ICSL Variant Classification Criteria 13 December 2019. Collection method: clinical testing. Allele origin: germline.